The following is an entry in ClinVar:

NM_020975.6(RET):c.1726C>A (p.Gln576Lys)

Gene: RET (ret proto-oncogene; plus strand). Cytogenetic location: 10q11.21.
Variant type: single nucleotide variant.
Coding change: c.1726C>A on transcript NM_020975.6 (MANE Select); coding-DNA position 1726, C replaced by A.
Protein change: p.Gln576Lys; replaces glutamine 576 with lysine.
Molecular consequence: missense variant.
Genome position (GRCh38, 1-based): chr10:43,112,930, C>A. VCF-style: chr10-43112930-C-A. GRCh37 (hg19) VCF-style: chr10-43608378-C-A.
Other names: c.964C>A, p.Gln322Lys (NM_001355216.2); c.1726C>A, p.Gln576Lys (NM_001406743.1, NM_001406744.1, NM_001406759.1 and 6 more transcripts); c.1597C>A, p.Gln533Lys (NM_001406764.1, NM_001406761.1, NM_001406762.1 and 1 more transcripts); c.1438C>A, p.Gln480Lys (NM_001406766.1, NM_001406767.1, NM_001406770.1); c.1000C>A, p.Gln334Lys (NM_001406778.1, NM_001406775.1, NM_001406776.1 and 1 more transcripts); c.829C>A, p.Gln277Lys (NM_001406779.1, NM_001406780.1, NM_001406781.1 and 3 more transcripts); c.700C>A, p.Gln234Lys (NM_001406783.1, NM_001406786.1); c.736C>A, p.Gln246Lys (NM_001406784.1); and 5 more; short protein forms Q576K, Q322K, Q181K, Q334K, Q444K, Q480K, Q93K, Q234K.
Identifiers: ClinVar variation 819943 (VCV000819943.6), dbSNP rs1588872829, ClinGen allele CA376552056.

ClinVar aggregate classification (germline): Uncertain significance (1 of 4 stars; one submission).

Conditions:
Hereditary cancer-predisposing syndrome. Also called: Neoplastic Syndromes, Hereditary; Tumor predisposition; Hereditary Cancer Syndrome; Hereditary neoplastic syndrome. Identifiers: Orphanet 140162, MedGen C0027672, MeSH D009386, MONDO:0015356.

Submission:

Ambry Genetics
Classification: Uncertain significance for Hereditary cancer-predisposing syndrome. Last evaluated: 2019-08-07. Review status: criteria provided, single submitter. Criteria: Ambry Variant Classification Scheme 2023. Collection method: clinical testing. Allele origin: germline.
Comment: The p.Q576K variant (also known as c.1726C>A), located in coding exon 9 of the RET gene, results from a C to A substitution at nucleotide position 1726. The glutamine at codon 576 is replaced by lysine, an amino acid with similar properties. This amino acid position is poorly conserved in available vertebrate species. In addition, this alteration is predicted to be tolerated by in silico analysis. Since supporting evidence is limited at this time, the clinical significance of this alteration remains unclear.